The following is an entry in ClinVar:

NM_021939.4(FKBP10):c.829_841del (p.Pro277fs)

Gene: FKBP10 (FKBP prolyl isomerase 10; plus strand). Cytogenetic location: 17q21.2.
Variant type: Deletion.
Coding change: c.829_841del on transcript NM_021939.4 (MANE Select); coding-DNA positions 829 to 841, 13 bases deleted (CCCGGCTGTGTCC).
Protein change: p.Pro277fs; shifts the reading frame from proline 277.
Molecular consequence: frameshift variant.
Genome position (GRCh38, 1-based): chr17:41,819,311-41,819,323, CCCGGCTGTGTCC deleted; deleting any 13 consecutive bases within chr17:41,819,309-41,819,323 gives the same sequence; the c. name uses the placement nearest the transcript's 3' end. VCF-style (leftmost placement, unchanged base first): chr17-41819308-CCCCCCGGCTGTGT-C. GRCh37 (hg19) VCF-style: chr17-39975560-CCCCCCGGCTGTGT-C.
Other names: c.829_841delCCCGGCTGTGTCC (NM_021939.4); short protein forms P277fs.
Identifiers: ClinVar variation 3581947 (VCV003581947.2).

ClinVar aggregate classification (germline): Pathogenic/Likely pathogenic. Review status: criteria provided, multiple submitters, no conflicts (2 of 4 stars). 2 submissions from 2 submitters: Pathogenic (1); Likely pathogenic (1). Last evaluated 2025-03-01.

Conditions:
Bruck syndrome 1 (BRKS1). Also called: ARTHROGRYPOSIS-LIKE DISORDER. Identifiers: Orphanet 1149, Orphanet 2771, MedGen C1850168, MONDO:0009806, OMIM 259450.
Osteogenesis imperfecta type 11. Also called: Osteogenesis imperfecta, type XI; OI, TYPE XI. Identifiers: Orphanet 666, MedGen C3151218, MONDO:0012592, OMIM 610968.
Osteogenesis imperfecta with normal sclerae, dominant form (OI4). Also called: Common Variable Osteogenesis Imperfecta with Normal Sclerae; OSTEOGENESIS IMPERFECTA, TYPE IV, WITH DENTINOGENESIS IMPERFECTA; OSTEOGENESIS IMPERFECTA WITH NORMAL SCLERAE; Osteogenesis imperfecta type 4; Osteogenesis Imperfecta Type IV. Identifiers: Orphanet 216820, Orphanet 666, MedGen C0268363, MONDO:0008148, OMIM 166220.

Submissions (2):

Laboratory of Genetic Skeletal Anomaly, Seoul National University Children's Hospital
Classification: Pathogenic for Osteogenesis imperfecta with normal sclerae, dominant form. Last evaluated: 2025-03-01. Review status: criteria provided, single submitter. Criteria: ACMG Guidelines, 2015. Collection method: research. Allele origin: germline. Affected: yes.
Comment: This variant is a novel variant not previously reported in the literature or population databases. It was classified based on available in silico predictions and absence from gnomAD.

Fulgent Genetics
Classification: Likely pathogenic for Bruck syndrome 1; Osteogenesis imperfecta type 11. Last evaluated: 2024-05-30. Review status: criteria provided, single submitter. Criteria: ACMG Guidelines, 2015. Collection method: clinical testing. Allele origin: germline.